The following is an entry in ClinVar:

NM_001042492.3(NF1):c.7759T>A (p.Ser2587Thr)

Gene: NF1 (neurofibromin 1; plus strand). Cytogenetic location: 17q11.2.
Variant type: single nucleotide variant.
Coding change: c.7759T>A on transcript NM_001042492.3 (MANE Select); coding-DNA position 7759, T replaced by A.
Protein change: p.Ser2587Thr; replaces serine 2587 with threonine.
Molecular consequence: missense variant.
Genome position (GRCh38, 1-based): chr17:31,356,980, T>A. VCF-style: chr17-31356980-T-A. GRCh37 (hg19) VCF-style: chr17-29683998-T-A.
Other names: c.7696T>A, p.Ser2566Thr (NM_000267.4); short protein forms S2587T, S2566T.
Identifiers: ClinVar variation 3668261 (VCV003668261.4).

ClinVar aggregate classification (germline): Conflicting classifications of pathogenicity. Review status: criteria provided, conflicting classifications (1 of 4 stars). 2 submissions from 2 submitters: Uncertain significance (1); Likely benign (1). Last evaluated 2026-04-16.

Conditions:
Neurofibromatosis, type 1 (NF1). Also called: VON RECKLINGHAUSEN DISEASE; NEUROFIBROMATOSIS, TYPE I, SOMATIC; Peripheral type neurofibromatosis; Neurofibromatosis, type I. Identifiers: Orphanet 636, MedGen C0027831, MONDO:0018975, OMIM 162200. Disease mechanism: loss of function.
Cardiovascular phenotype. Identifiers: MedGen CN230736.
Hereditary cancer-predisposing syndrome. Also called: Hereditary neoplastic syndrome; Tumor predisposition; Hereditary Cancer Syndrome; Neoplastic Syndromes, Hereditary. Identifiers: Orphanet 140162, MedGen C0027672, MeSH D009386, MONDO:0015356.

Submissions (2):

Ambry Genetics
Classification: Likely benign for Cardiovascular phenotype; Hereditary cancer-predisposing syndrome. Last evaluated: 2026-04-16. Review status: criteria provided, single submitter. Criteria: Ambry Variant Classification Scheme 2023. Collection method: clinical testing. Allele origin: germline.

Labcorp Genetics (formerly Invitae), Labcorp
Classification: Uncertain significance for Neurofibromatosis, type 1. Last evaluated: 2024-10-15. Review status: criteria provided, single submitter. Criteria: Invitae Variant Classification Sherloc (09022015). Collection method: clinical testing. Allele origin: germline.
Comment: This sequence change replaces serine, which is neutral and polar, with threonine, which is neutral and polar, at codon 2566 of the NF1 protein (p.Ser2566Thr). This variant is not present in population databases (gnomAD no frequency). This variant has not been reported in the literature in individuals affected with NF1-related conditions. Invitae Evidence Modeling of protein sequence and biophysical properties (such as structural, functional, and spatial information, amino acid conservation, physicochemical variation, residue mobility, and thermodynamic stability) indicates that this missense variant is not expected to disrupt NF1 protein function with a negative predictive value of 95%. In summary, the available evidence is currently insufficient to determine the role of this variant in disease. Therefore, it has been classified as a Variant of Uncertain Significance.